The following is an entry in ClinVar:

NC_000017.10:g.(?_80405436)_(80407130_?)del

Gene: CYBC1 (cytochrome b-245 chaperone 1; minus strand). Cytogenetic location: 17q25.3.
Variant type: Deletion.
Identifiers: ClinVar variation 3243132 (VCV003243132.1).

ClinVar aggregate classification (germline): Pathogenic (1 of 4 stars; one submission).

Submission:

Labcorp Genetics (formerly Invitae), Labcorp
Classification: Pathogenic. Last evaluated: 2023-11-18. Review status: criteria provided, single submitter. Criteria: Invitae Variant Classification Sherloc (09022015). Collection method: clinical testing. Allele origin: unknown.
Comment: This variant is a gross deletion of the genomic region encompassing exon(s) 2-3 of the C17orf62 gene, which includes the initiator codon. This deletion extends beyond the assayed region for this gene and therefore may encompass additional genes. It is expected to result in an absent or disrupted protein product. Loss-of-function variants in C17orf62 are known to be pathogenic (PMID: 28351984, 30361506). This variant has not been reported in the literature in individuals affected with C17orf62-related conditions. For these reasons, this variant has been classified as Pathogenic.

Literature cited by the submitters: PubMed 28351984; PubMed 30361506.